The following is an entry in ClinVar:

ClinVar aggregate classification (germline): Uncertain significance. Review status: criteria provided, multiple submitters, no conflicts (2 of 4 stars). 4 submissions from 4 submitters: Uncertain significance (4). Last evaluated 2026-07-06.

Conditions:
Familial cancer of breast. Also called: Hereditary breast cancer; BREAST CANCER, FAMILIAL; hereditary breast carcinoma. Identifiers: Orphanet 227535, MedGen C0346153, MONDO:0016419, OMIM 114480. Disease mechanism: loss of function.
Hereditary cancer-predisposing syndrome. Also called: Tumor predisposition; Hereditary neoplastic syndrome; Neoplastic Syndromes, Hereditary; Hereditary Cancer Syndrome. Identifiers: Orphanet 140162, MedGen C0027672, MeSH D009386, MONDO:0015356.
Ataxia-telangiectasia syndrome (AT). Also called: Ataxia-telangiectasia, complementation group D; AT, COMPLEMENTATION GROUP C; ATAXIA-TELANGIECTASIA, COMPLEMENTATION GROUP A; ATAXIA-TELANGIECTASIA, FRESNO VARIANT; Ataxia-telangiectasia; LOUIS-BAR SYNDROME. Identifiers: Orphanet 100, MedGen C0004135, MONDO:0008840, OMIM 208900.

Submissions (4):

Ambry Genetics
Classification: Uncertain significance for Hereditary cancer-predisposing syndrome. Last evaluated: 2026-07-06. Review status: criteria provided, single submitter. Criteria: Ambry Variant Classification Scheme 2023. Collection method: clinical testing. Allele origin: germline.
Comment: The p.K2440E variant (also known as c.7318A>G), located in coding exon 49 of the ATM gene, results from an A to G substitution at nucleotide position 7318. The lysine at codon 2440 is replaced by glutamic acid, an amino acid with similar properties. In an assay testing ATM function, this variant showed a functionally abnormal result (Lee KS et al. Cell, 2025 Sep;188:5081-5099.e27). This amino acid position is highly conserved in available vertebrate species. In addition, this alteration is predicted to be deleterious by in silico analysis. Based on the available evidence, the clinical significance of this variant remains unclear.

Labcorp Genetics (formerly Invitae), Labcorp
Classification: Uncertain significance for Ataxia-telangiectasia syndrome. Last evaluated: 2025-08-07. Review status: criteria provided, single submitter. Criteria: Invitae Variant Classification Sherloc (09022015). Collection method: clinical testing. Allele origin: germline.
Comment: This sequence change replaces lysine, which is basic and polar, with glutamic acid, which is acidic and polar, at codon 2440 of the ATM protein (p.Lys2440Glu). This variant is not present in population databases (gnomAD no frequency). This variant has not been reported in the literature in individuals affected with ATM-related conditions. ClinVar contains an entry for this variant (Variation ID: 629955). Invitae Evidence Modeling of protein sequence and biophysical properties (such as structural, functional, and spatial information, amino acid conservation, physicochemical variation, residue mobility, and thermodynamic stability) indicates that this missense variant is not expected to disrupt ATM protein function with a negative predictive value of 95%. In summary, the available evidence is currently insufficient to determine the role of this variant in disease. Therefore, it has been classified as a Variant of Uncertain Significance.

Dasa
Classification: Uncertain significance for hereditary breast carcinoma. Last evaluated: 2024-12-17. Review status: criteria provided, single submitter. Criteria: DASA Assertion Criteria. Collection method: clinical testing. Allele origin: germline.
Comment: NM_000051.4(ATM):c.7318A>G (p.Lys2440Glu) is a missense variant that results in the substitution of lysine with glutamic acid. This variant is absent from population databases. Computational prediction algorithms are consistent with a deleterious effect. The currently available literature and clinical evidence are not sufficient to establish a definitive association between this variant and the reported condition. Therefore, this variant is classified as a variant of uncertain significance.

Color Diagnostics, LLC DBA Color Health
Classification: Uncertain significance for Hereditary cancer-predisposing syndrome. Last evaluated: 2024-03-11. Review status: criteria provided, single submitter. Criteria: ACMG Guidelines, 2015. Collection method: clinical testing. Allele origin: germline.
Comment: This missense variant replaces lysine with glutamic acid at codon 2440 of the ATM protein. Computational prediction suggests that this variant may have deleterious impact on protein structure and function. To our knowledge, functional studies have not been reported for this variant. This variant has not been reported in individuals affected with hereditary cancer in the literature. This variant has not been identified in the general population by the Genome Aggregation Database (gnomAD). The available evidence is insufficient to determine the role of this variant in disease conclusively. Therefore, this variant is classified as a Variant of Uncertain Significance.

Literature cited by the submitters: PubMed 40580951 (cited by Ambry Genetics).

NM_000051.4(ATM):c.7318A>G (p.Lys2440Glu)

Genes: ATM (ATM serine/threonine kinase; plus strand), C11orf65 (chromosome 11 open reading frame 65; minus strand). Cytogenetic location: 11q22.3.
Variant type: single nucleotide variant.
Coding change: c.7318A>G on transcript NM_000051.4 (MANE Select); coding-DNA position 7318, A replaced by G.
Protein change: p.Lys2440Glu; replaces lysine 2440 with glutamic acid.
Molecular consequence: missense variant. On other transcripts: intron variant (2).
Genome position (GRCh38, 1-based): chr11:108,330,224, A>G. VCF-style: chr11-108330224-A-G. GRCh37 (hg19) VCF-style: chr11-108200951-A-G.
Other names: c.7318A>G, p.Lys2440Glu (NM_001351834.2); c.641-21153T>C (NM_001330368.2); c.*38+4996T>C (NM_001351110.2); short protein forms K2440E.
Identifiers: ClinVar variation 629955 (VCV000629955.17), dbSNP rs1565529306, ClinGen allele CA382559878.